The following is an entry in ClinVar:

NM_001080421.3(UNC13A):c.1868T>C (p.Ile623Thr)

Gene: UNC13A (unc-13 homolog A; minus strand). Cytogenetic location: 19p13.11.
Variant type: single nucleotide variant.
Coding change: c.1868T>C on transcript NM_001080421.3 (MANE Select); coding-DNA position 1868, T replaced by C.
Protein change: p.Ile623Thr; replaces isoleucine 623 with threonine.
Molecular consequence: missense variant.
Genome position (GRCh38, 1-based): chr19:17,647,441, A>G on the plus strand (T>C on the coding strand, the complement: UNC13A is on the minus strand). VCF-style: chr19-17647441-A-G. GRCh37 (hg19) VCF-style: chr19-17758250-A-G.
Other names: c.1862T>C, p.Ile621Thr (NM_001387021.1, NM_001387022.1, NM_001387023.1); short protein forms I621T, I623T.
Identifiers: ClinVar variation 5020690 (VCV005020690.1).

ClinVar aggregate classification (germline): Uncertain significance (1 of 4 stars; one submission).

Submission:

Dasa
Classification: Uncertain significance. Last evaluated: 2026-03-20. Review status: criteria provided, single submitter. Criteria: DASA Assertion Criteria. Collection method: clinical testing. Allele origin: germline.
Comment: NM_001080421.3(UNC13A):c.1868T>C (p.Ile623Thr) is a missense variant that results in the substitution of isoleucine with threonine. This variant is absent from population databases. The currently available literature and clinical evidence are not sufficient to establish a definitive association between this variant and the reported condition. Therefore, this variant is classified as a variant of uncertain significance.